The following is an entry in ClinVar:

ClinVar aggregate classification (germline): Uncertain significance (1 of 4 stars; one submission).

Conditions:
Niemann-Pick disease, type C1. Also called: NIEMANN-PICK DISEASE, VARIANT TYPE C1; NEUROVISCERAL STORAGE DISEASE WITH VERTICAL SUPRANUCLEAR OPHTHALMOPLEGIA; NIEMANN-PICK DISEASE WITH CHOLESTEROL ESTERIFICATION BLOCK; NIEMANN-PICK DISEASE WITHOUT SPHINGOMYELINASE DEFICIENCY; NIEMANN-PICK DISEASE, CHRONIC NEURONOPATHIC FORM. Identifiers: Orphanet 646, MedGen C3179455, MONDO:0009757, OMIM 257220.

Submission:

Labcorp Genetics (formerly Invitae), Labcorp
Classification: Uncertain significance for Niemann-Pick disease, type C1. Last evaluated: 2022-10-13. Review status: criteria provided, single submitter. Criteria: Invitae Variant Classification Sherloc (09022015). Collection method: clinical testing. Allele origin: germline.
Comment: This sequence change replaces isoleucine, which is neutral and non-polar, with threonine, which is neutral and polar, at codon 1202 of the NPC1 protein (p.Ile1202Thr). This variant is not present in population databases (gnomAD no frequency). This variant has not been reported in the literature in individuals affected with NPC1-related conditions. Advanced modeling of protein sequence and biophysical properties (such as structural, functional, and spatial information, amino acid conservation, physicochemical variation, residue mobility, and thermodynamic stability) performed at Invitae indicates that this missense variant is expected to disrupt NPC1 protein function. In summary, the available evidence is currently insufficient to determine the role of this variant in disease. Therefore, it has been classified as a Variant of Uncertain Significance.

NM_000271.5(NPC1):c.3605T>C (p.Ile1202Thr)

Gene: NPC1 (NPC intracellular cholesterol transporter 1; minus strand). Cytogenetic location: 18q11.2.
Variant type: single nucleotide variant.
Coding change: c.3605T>C on transcript NM_000271.5 (MANE Select); coding-DNA position 3605, T replaced by C.
Protein change: p.Ile1202Thr; replaces isoleucine 1202 with threonine.
Molecular consequence: missense variant.
Genome position (GRCh38, 1-based): chr18:23,533,504, A>G on the plus strand (T>C on the coding strand, the complement: NPC1 is on the minus strand). VCF-style: chr18-23533504-A-G. GRCh37 (hg19) VCF-style: chr18-21113468-A-G.
Other names: short protein forms I1202T.
Identifiers: ClinVar variation 2094982 (VCV002094982.4), dbSNP rs2511177277, ClinGen allele CA401790817.